The following is an entry in ClinVar:

ClinVar aggregate classification (germline): Likely benign. Review status: criteria provided, multiple submitters, no conflicts (2 of 4 stars). 2 submissions from 2 submitters: Likely benign (2). Last evaluated 2025-11-21.

Conditions:
Epidermolysis bullosa simplex with nail dystrophy (EBS5D). Identifiers: MedGen C4225309, MONDO:0014661, OMIM 616487.
Epidermolysis bullosa simplex 5B, with muscular dystrophy (EBS5B). Also called: EPIDERMOLYSIS BULLOSA SIMPLEX AND LIMB-GIRDLE MUSCULAR DYSTROPHY; Epidermolysis bullosa simplex with muscular dystrophy. Identifiers: Orphanet 257, MedGen C2931072, MONDO:0009181, OMIM 226670.
Epidermolysis bullosa simplex, Ogna type (EBS5A). Also called: Pidermolysis bullosa simplex 5A, Ogna type; EPIDERMOLYSIS BULLOSA SIMPLEX 5A, OGNA TYPE. Identifiers: Orphanet 79401, MedGen C0432317, MONDO:0007555, OMIM 131950.
Autosomal recessive limb-girdle muscular dystrophy type 2Q (LGMDR17). Also called: MUSCULAR DYSTROPHY, LIMB-GIRDLE, AUTOSOMAL RECESSIVE 17. Identifiers: Orphanet 254361, MedGen C3150989, MONDO:0013390, OMIM 613723.
Epidermolysis bullosa simplex 5C, with pyloric atresia (EBS5C). Also called: PLEC-Related Epidermolysis Bullosa with Pyloric Atresia; Epidermolysis bullosa simplex with pyloric atresia; PLEC1-Related Epidermolysis Bullosa with Pyloric Atresia. Identifiers: Orphanet 158684, MedGen C2677349, MONDO:0012807, OMIM 612138.

Allele frequency attached by ClinVar (database versions not stated): gnomAD exomes 0.00003 and 0.00004; ExAC 0.00009; gnomAD 0.00011; TOPMed 0.00014; 1000 Genomes Project 30x 0.00016; 1000 Genomes Project 0.00020.
gnomAD v4.1: 53 of 1,581,038 alleles (0.0034%); highest among the groups gnomAD compares: African/African-American, 0.038%; no homozygotes.

Submissions (2):

Labcorp Genetics (formerly Invitae), Labcorp
Classification: Likely benign for Autosomal recessive limb-girdle muscular dystrophy type 2Q; Epidermolysis bullosa simplex, Ogna type; Epidermolysis bullosa simplex with nail dystrophy; Epidermolysis bullosa simplex 5C, with pyloric atresia; Epidermolysis bullosa simplex 5B, with muscular dystrophy. Last evaluated: 2025-11-21. Review status: criteria provided, single submitter. Criteria: Invitae Variant Classification Sherloc (09022015). Collection method: clinical testing. Allele origin: germline.

GeneDx
Classification: Likely benign. Last evaluated: 2016-11-23. Review status: criteria provided, single submitter. Criteria: GeneDx Variant Classification (06012015). Collection method: clinical testing. Allele origin: germline. Affected: yes.
Comment: This variant is considered likely benign or benign based on one or more of the following criteria: it is a conservative change, it occurs at a poorly conserved position in the protein, it is predicted to be benign by multiple in silico algorithms, and/or has population frequency not consistent with disease.

NM_201384.3(PLEC):c.2304+12G>A

Gene: PLEC (plectin; minus strand). Cytogenetic location: 8q24.3.
Variant type: single nucleotide variant.
Coding change: c.2304+12G>A on transcript NM_201384.3 (MANE Select); 12 bases into the intron after coding-DNA position 2304, G replaced by A.
Molecular consequence: intron variant.
Genome position (GRCh38, 1-based): chr8:143,931,522, C>T on the plus strand (G>A on the coding strand, the complement: PLEC is on the minus strand). VCF-style: chr8-143931522-C-T. GRCh37 (hg19) VCF-style: chr8-145005690-C-T.
Other names: c.2385+12G>A (NM_000445.5); c.2262+12G>A (NM_201378.4); c.2238+12G>A (NM_201379.3); c.2715+12G>A (NM_201380.4); c.2208+12G>A (NM_201381.3); c.2304+12G>A (NM_201382.4); c.2316+12G>A (NM_201383.3).
Identifiers: ClinVar variation 390989 (VCV000390989.9), dbSNP rs200251264, ClinGen allele CA4927588.